The following is an entry in ClinVar:

NM_031433.4(MFRP):c.1615C>T (p.Arg539Cys)

Genes: C1QTNF5 (C1q and TNF related 5; minus strand), MFRP (membrane frizzled-related protein; minus strand). Cytogenetic location: 11q23.3.
Variant type: single nucleotide variant.
Coding change: c.1615C>T on transcript NM_031433.4 (MANE Select); coding-DNA position 1615, C replaced by T.
Protein change: p.Arg539Cys; replaces arginine 539 with cysteine.
Molecular consequence: missense variant. On other transcripts: 5 prime UTR variant (1).
Genome position (GRCh38, 1-based): chr11:119,341,673, G>A on the plus strand (C>T on the coding strand, the complement: MFRP is on the minus strand). VCF-style: chr11-119341673-G-A. GRCh37 (hg19) VCF-style: chr11-119212383-G-A.
Other names: c.-1022C>T (NM_015645.5); short protein forms R539C.
Identifiers: ClinVar variation 560469 (VCV000560469.17), dbSNP rs374823079, ClinGen allele CA6320055.
Genomic context (GRCh38, chr11:119,341,673, plus strand): 5'-GGGTGCCCAGTAGTGCCAGGCCAGACTGGCACTGGTGCTCCGCTTCCTGGCAGACAGAGC[G>A]GCAAGGGGGCAGAACACTGCCTAGTGGGGTGCAACGGGGCACAAGCAGCCCACACAGGAG-3'
Protein context (NP_113621.1, residues 529-549): TPLGSVLPPC[Arg539Cys]SVCQEAEHQC

ClinVar aggregate classification (germline): Pathogenic/Likely pathogenic. Review status: criteria provided, multiple submitters, no conflicts (2 of 4 stars). 8 submissions from 7 submitters: Pathogenic (2); Likely pathogenic (3). 3 of the submissions do not count toward it. Last evaluated 2026-01-13.

Conditions:
Nanophthalmia. Also called: Nanophthalmos. Identifiers: Orphanet 35612, MedGen C4274282, MONDO:0005514.
MFRP-related disorder. Also called: MFRP-related disorders; MFRP-related condition.
Isolated microphthalmia 5. Also called: Posterior Microphthalmia with Retinitis Pigmentosa, Foveoschisis, and Optic Disc Drusen. Identifiers: Orphanet 251279, MedGen C1970236, MONDO:0012605, OMIM 611040.
Nanophthalmos 2 (NNO2). Also called: NANOPHTHALMIA 2; NANOPHTHALMOS, AUTOSOMAL RECESSIVE. Identifiers: Orphanet 35612, MedGen C1836006, MONDO:0012299, OMIM 609549.

Allele frequency attached by ClinVar (database versions not stated): ExAC 0.00003; TOPMed 0.00007; gnomAD 0.00004; gnomAD exomes 0.00004 and 0.00009; ESP Exome Variant Server 0.00008.
gnomAD v4.1: 65 of 1,613,096 alleles (0.004%); highest among the groups gnomAD compares: Admixed American, 0.033%; no homozygotes.

Submissions (8):

Labcorp Genetics (formerly Invitae), Labcorp
Classification: Pathogenic for Isolated microphthalmia 5. Last evaluated: 2026-01-13. Review status: criteria provided, single submitter. Criteria: Invitae Variant Classification Sherloc (09022015). Collection method: clinical testing. Allele origin: germline.
Comment: This sequence change replaces arginine, which is basic and polar, with cysteine, which is neutral and slightly polar, at codon 539 of the MFRP protein (p.Arg539Cys). This variant is present in population databases (rs374823079, gnomAD 0.04%). This missense change has been observed in individual(s) with high hyperopia and/or microphthalmia (PMID: 25412400, 26583794, 29170418, 30181649). In at least one individual the data is consistent with being in trans (on the opposite chromosome) from a pathogenic variant. It has also been observed to segregate with disease in related individuals. ClinVar contains an entry for this variant (Variation ID: 560469). Invitae Evidence Modeling of protein sequence and biophysical properties (such as structural, functional, and spatial information, amino acid conservation, physicochemical variation, residue mobility, and thermodynamic stability) indicates that this missense variant is expected to disrupt MFRP protein function with a positive predictive value of 80%. For these reasons, this variant has been classified as Pathogenic.

PreventionGenetics, part of Exact Sciences
Classification: Likely pathogenic for MFRP-related condition. Last evaluated: 2025-12-12. Review status: criteria provided, single submitter. Criteria: ACMG Guidelines, 2015. Collection method: clinical testing. Allele origin: germline.
Comment: The MFRP c.1615C>T variant is predicted to result in the amino acid substitution p.Arg539Cys. This variant has been reported in individuals with posterior microphthalmos (see for example: Table S7, Consugar et al. 2015. PubMed ID: 25412400; Table S1, Lin et al. 2024. PubMed ID: 38219857; Matías-Pérez et al. 2018. PubMed ID: 30181649). This variant is reported in 0.042% of alleles in individuals of Latino descent in gnomAD. This variant is interpreted as likely pathogenic.

Revvity Omics, Revvity
Classification: Likely pathogenic. Last evaluated: 2025-03-28. Review status: criteria provided, single submitter. Criteria: ACMG Guidelines, 2015. Collection method: clinical testing. Allele origin: germline.

Blueprint Genetics
Classification: Pathogenic for MFRP-related disorders. Last evaluated: 2023-12-29. Review status: criteria provided, single submitter. Criteria: ACMG Guidelines, 2015. Collection method: clinical testing. Allele origin: germline. Affected: yes. Observed: 5 variant alleles.

Fulgent Genetics
Classification: Likely pathogenic for Nanophthalmos 2; Isolated microphthalmia 5. Last evaluated: 2022-03-04. Review status: criteria provided, single submitter. Criteria: ACMG Guidelines, 2015. Collection method: clinical testing. Allele origin: unknown.

Joint Genome Diagnostic Labs from Nijmegen and Maastricht, Radboudumc and MUMC+
Classification: Likely pathogenic for Nanophthalmos. Last evaluated: 2016-09-01. Review status: no assertion criteria provided. Collection method: clinical testing. Allele origin: unknown. Affected: yes. Observed: 1 variant allele. Not counted in ClinVar's aggregate classification.

Genome Diagnostics Laboratory, Amsterdam University Medical Center
Classification: Likely pathogenic. Review status: no assertion criteria provided. Collection method: clinical testing. Allele origin: germline. Affected: yes. Study: VKGL Data-share Consensus. Not counted in ClinVar's aggregate classification.

Joint Genome Diagnostic Labs from Nijmegen and Maastricht, Radboudumc and MUMC+
Classification: Likely pathogenic. Review status: no assertion criteria provided. Collection method: clinical testing. Allele origin: germline. Affected: yes. Study: VKGL Data-share Consensus. Not counted in ClinVar's aggregate classification.

Literature cited by the submitters: PubMed 25412400 (cited by Labcorp Genetics (formerly Invitae), Labcorp); PubMed 26583794 (cited by Labcorp Genetics (formerly Invitae), Labcorp); PubMed 29170418 (cited by Labcorp Genetics (formerly Invitae), Labcorp); PubMed 30181649 (cited by Labcorp Genetics (formerly Invitae), Labcorp).